The following is an entry in ClinVar:

ClinVar aggregate classification (germline): Uncertain significance (1 of 4 stars; one submission).

Conditions:
Hyperkalemic periodic paralysis. Also called: Familial hyperkalemic periodic paralysis; Gamstorp disease. Identifiers: Orphanet 682, MedGen C0238357, MONDO:0008224, OMIM 170500, HP:0007215.

Submission:

Institute of Immunology and Genetics Kaiserslautern
Classification: Uncertain significance for Hyperkalemic periodic paralysis. Last evaluated: 2022-09-13. Review status: criteria provided, single submitter. Criteria: ACMG Guidelines, 2015. Collection method: clinical testing. Allele origin: germline. Affected: yes.
Comment: ACMG Criteria: PM2_P, PM5, PP3; Variant was found in heterozygous state.

NM_000334.4(SCN4A):c.808C>G (p.Gln270Glu)

Gene: SCN4A (sodium voltage-gated channel alpha subunit 4; minus strand). Cytogenetic location: 17q23.3.
Variant type: single nucleotide variant.
Coding change: c.808C>G on transcript NM_000334.4 (MANE Select); coding-DNA position 808, C replaced by G.
Protein change: p.Gln270Glu; replaces glutamine 270 with glutamic acid.
Molecular consequence: missense variant.
Genome position (GRCh38, 1-based): chr17:63,968,251, G>C on the plus strand (C>G on the coding strand, the complement: SCN4A is on the minus strand). VCF-style: chr17-63968251-G-C. GRCh37 (hg19) VCF-style: chr17-62045611-G-C.
Other names: short protein forms Q270E.
Identifiers: ClinVar variation 3366938 (VCV003366938.1).